The following is an entry in ClinVar:

ClinVar aggregate classification (germline): Pathogenic (1 of 4 stars; one submission).

Conditions:
DICER1-related tumor predisposition. Also called: DICER1 syndrome; DICER1-related pleuropulmonary blastoma cancer predisposition syndrome. Identifiers: Orphanet 284343, MedGen C3839822, MONDO:0100216.

Submission:

Labcorp Genetics (formerly Invitae), Labcorp
Classification: Pathogenic for DICER1-related tumor predisposition. Last evaluated: 2024-03-16. Review status: criteria provided, single submitter. Criteria: Invitae Variant Classification Sherloc (09022015). Collection method: clinical testing. Allele origin: germline.
Comment: This sequence change creates a premature translational stop signal (p.Glu497Asnfs*26) in the DICER1 gene. It is expected to result in an absent or disrupted protein product. Loss-of-function variants in DICER1 are known to be pathogenic (PMID: 19556464, 21266384). This variant is not present in population databases (gnomAD no frequency). This variant has not been reported in the literature in individuals affected with DICER1-related conditions. For these reasons, this variant has been classified as Pathogenic.

Literature cited by the submitters: PubMed 19556464; PubMed 21266384.

NM_177438.3(DICER1):c.1489del (p.Glu497fs)

Gene: DICER1 (dicer 1, ribonuclease III; minus strand). Cytogenetic location: 14q32.13.
Variant type: Deletion.
Coding change: c.1489del on transcript NM_177438.3 (MANE Select); coding-DNA position 1489, one base deleted (G; older notation c.1489delG).
Protein change: p.Glu497fs; shifts the reading frame from glutamic acid 497.
Molecular consequence: frameshift variant. On other transcripts: non-coding transcript variant (6), 5 prime UTR variant (1).
Genome position (GRCh38, 1-based): chr14:95,117,642, C deleted on the plus strand (G on the coding strand, the reverse complement: DICER1 is on the minus strand). VCF-style (leftmost placement, unchanged base first): chr14-95117641-TC-T. GRCh37 (hg19) VCF-style: chr14-95583978-TC-T.
Other names: c.1489del, p.Glu497fs (NM_030621.4, NM_001195573.1, NM_001271282.3 and 12 more transcripts); c.1207del, p.Glu403fs (NM_001395686.1); c.1084del, p.Glu362fs (NM_001395687.1, NM_001395688.1, NM_001395689.1 and 3 more transcripts); c.922del, p.Glu308fs (NM_001395691.1); c.-80del (NM_001395697.1); short protein forms E308fs, E403fs, E362fs, E497fs.
Identifiers: ClinVar variation 3646316 (VCV003646316.2).